The following is an entry in ClinVar:

ClinVar aggregate classification (germline): Pathogenic (1 of 4 stars; one submission).

Conditions:
Gilbert syndrome. Also called: HYPERBILIRUBINEMIA, GILBERT TYPE; Gilbert Disease; Gilbert's syndrome; HYPERBILIRUBINEMIA I; HYPERBILIRUBINEMIA, ARIAS TYPE. Identifiers: MedGen C0017551, MONDO:0007745, OMIM 143500.

Submission:

Kasturba Medical College, Manipal, Kasturba Medical College, Manipal, Manipal Academy of Higher Education, Manipal, India
Classification: Pathogenic for Gilbert syndrome. Review status: criteria provided, single submitter. Criteria: ACMG Guidelines, 2015. Collection method: clinical testing. Allele origin: unknown. Inheritance: Autosomal recessive inheritance. Affected: yes. Observed: 1 homozygote.
Comment: This enhancer variant significantly decreases transcriptional activity of UGT1A1 (Sugatani et al. 2002).

NC_000002.12:g.598413T>G

Variant type: single nucleotide variant.
Genome position: GRCh38 VCF-style: chr2-598413-T-G. GRCh37 (hg19) VCF-style: chr2-598413-T-G.
Identifiers: ClinVar variation 3336806 (VCV003336806.2).
Genomic context (GRCh38, chr2:598,413, plus strand): 5'-GGATGTGGTCACTCACGCCATGTTGATGATTCAAGCTCTTCTCTGTCAACTCAATGCCTG[T>G]GGAGTAGAAGGAAGTACATCTGTTTATCTCTTGGCCAAAAGAGCAAGTTAATACATTTTT-3'